The following is an entry in ClinVar:

NM_021095.4(SLC5A6):c.367C>T (p.Arg123Cys)

Gene: SLC5A6 (solute carrier family 5 member 6; minus strand). Cytogenetic location: 2p23.3.
Variant type: single nucleotide variant.
Coding change: c.367C>T on transcript NM_021095.4 (MANE Select); coding-DNA position 367, C replaced by T.
Protein change: p.Arg123Cys; replaces arginine 123 with cysteine.
Molecular consequence: missense variant. On other transcripts: non-coding transcript variant (1).
Genome position (GRCh38, 1-based): chr2:27,207,284, G>A on the plus strand (C>T on the coding strand, the complement: SLC5A6 is on the minus strand). VCF-style: chr2-27207284-G-A. GRCh37 (hg19) VCF-style: chr2-27430152-G-A.
Other names: short protein forms R123C.
Identifiers: ClinVar variation 2430485 (VCV002430485.1), dbSNP rs750112378, ClinGen allele CA1571873.

ClinVar aggregate classification (germline): Uncertain significance (1 of 4 stars; one submission).

Allele frequency attached by ClinVar (database versions not stated): TOPMed 0.00002; ExAC 0.00003; gnomAD exomes 0.00004; gnomAD 0.00006.
gnomAD v4.1: 72 of 1,613,762 alleles (0.0045%); highest among the groups gnomAD compares: Middle Eastern, 0.016%; no homozygotes.

Submission:

GeneDx
Classification: Uncertain significance. Last evaluated: 2022-08-19. Review status: criteria provided, single submitter. Criteria: GeneDx Variant Classification Process June 2021. Collection method: clinical testing. Allele origin: germline. Affected: yes.
Comment: In silico analysis supports that this missense variant has a deleterious effect on protein structure/function; Has not been previously published as pathogenic or benign to our knowledge